The following is an entry in ClinVar:

ClinVar aggregate classification (germline): Uncertain significance. Review status: criteria provided, multiple submitters, no conflicts (2 of 4 stars). 2 submissions from 2 submitters: Uncertain significance (2). Last evaluated 2024-10-16.

Conditions:
Immunodeficiency, common variable, 7. Identifiers: Orphanet 1572, Orphanet 696894, MedGen C3542922, MONDO:0013862, OMIM 614699.
Inborn genetic diseases. Identifiers: MedGen C0950123, MeSH D030342.

Allele frequency attached by ClinVar (database versions not stated): gnomAD 0.00002; TOPMed 0.00005; ESP Exome Variant Server 0.00015; ExAC 0.00001; gnomAD exomes 0.00001.

Submissions (2):

Labcorp Genetics (formerly Invitae), Labcorp
Classification: Uncertain significance for Immunodeficiency, common variable, 7. Last evaluated: 2024-10-16. Review status: criteria provided, single submitter. Criteria: Invitae Variant Classification Sherloc (09022015). Collection method: clinical testing. Allele origin: germline.
Comment: This sequence change replaces arginine, which is basic and polar, with glycine, which is neutral and non-polar, at codon 109 of the CR2 protein (p.Arg109Gly). This variant is present in population databases (rs374754086, gnomAD 0.002%). This variant has not been reported in the literature in individuals affected with CR2-related conditions. ClinVar contains an entry for this variant (Variation ID: 1005765). An algorithm developed to predict the effect of missense changes on protein structure and function (PolyPhen-2) suggests that this variant is likely to be tolerated. In summary, the available evidence is currently insufficient to determine the role of this variant in disease. Therefore, it has been classified as a Variant of Uncertain Significance.

Ambry Genetics
Classification: Uncertain significance for Inborn genetic diseases. Last evaluated: 2024-08-26. Review status: criteria provided, single submitter. Criteria: Ambry Variant Classification Scheme 2023. Collection method: clinical testing. Allele origin: germline.

NM_001006658.3(CR2):c.325A>G (p.Arg109Gly)

Gene: CR2 (complement C3d receptor 2; plus strand). Cytogenetic location: 1q32.2.
Variant type: single nucleotide variant.
Coding change: c.325A>G on transcript NM_001006658.3 (MANE Select); coding-DNA position 325, A replaced by G.
Protein change: p.Arg109Gly; replaces arginine 109 with glycine.
Molecular consequence: missense variant.
Genome position (GRCh38, 1-based): chr1:207,466,792, A>G. VCF-style: chr1-207466792-A-G. GRCh37 (hg19) VCF-style: chr1-207640137-A-G.
Other names: c.325A>G, p.Arg109Gly (NM_001877.5); c.325A>G (NM_001006658.2); short protein forms R109G.
Identifiers: ClinVar variation 1005765 (VCV001005765.7), dbSNP rs374754086, ClinGen allele CA1368397.
Genomic context (GRCh38, chr1:207,466,792, plus strand): 5'-TCTTCTTGCCCTGAGCCCATAGTACCAGGAGGATACAAAATTAGAGGCTCTACACCCTAC[A>G]GACATGGTGATTCTGTGACATTTGCCTGTAAAACCAACTTCTCCATGAACGGAAACAAGT-3'
Protein context (NP_001006659.1, residues 99-119): GYKIRGSTPY[Arg109Gly]HGDSVTFACK